The following is an entry in ClinVar:

NM_005732.4(RAD50):c.1772G>A (p.Arg591Lys)

Gene: RAD50 (RAD50 double strand break repair protein; plus strand). Cytogenetic location: 5q31.1.
Variant type: single nucleotide variant.
Coding change: c.1772G>A on transcript NM_005732.4 (MANE Select); coding-DNA position 1772, G replaced by A.
Protein change: p.Arg591Lys; replaces arginine 591 with lysine.
Molecular consequence: missense variant.
Genome position (GRCh38, 1-based): chr5:132,592,013, G>A. VCF-style: chr5-132592013-G-A. GRCh37 (hg19) VCF-style: chr5-131927705-G-A.
Other names: short protein forms R591K.
Identifiers: ClinVar variation 820033 (VCV000820033.11), dbSNP rs876659890, ClinGen allele CA360946732.

ClinVar aggregate classification (germline): Uncertain significance. Review status: criteria provided, multiple submitters, no conflicts (2 of 4 stars). 2 submissions from 2 submitters: Uncertain significance (2). Last evaluated 2025-04-04.

Conditions:
Hereditary cancer-predisposing syndrome. Also called: Neoplastic Syndromes, Hereditary; Tumor predisposition; Hereditary Cancer Syndrome; Hereditary neoplastic syndrome. Identifiers: Orphanet 140162, MedGen C0027672, MeSH D009386, MONDO:0015356.

Submissions (2):

Ambry Genetics
Classification: Uncertain significance for Hereditary cancer-predisposing syndrome. Last evaluated: 2025-04-04. Review status: criteria provided, single submitter. Criteria: Ambry Variant Classification Scheme 2023. Collection method: clinical testing. Allele origin: germline.
Comment: The p.R591K variant (also known as c.1772G>A), located in coding exon 11 of the RAD50 gene, results from a G to A substitution at nucleotide position 1772. The arginine at codon 591 is replaced by lysine, an amino acid with highly similar properties. This amino acid position is highly conserved in available vertebrate species. In addition, this alteration is predicted to be tolerated by in silico analysis. Since supporting evidence is limited at this time, the clinical significance of this alteration remains unclear.

Labcorp Genetics (formerly Invitae), Labcorp
Classification: Uncertain significance for Hereditary cancer-predisposing syndrome. Last evaluated: 2022-03-25. Review status: criteria provided, single submitter. Criteria: Invitae Variant Classification Sherloc (09022015). Collection method: clinical testing. Allele origin: germline.
Comment: In summary, the available evidence is currently insufficient to determine the role of this variant in disease. Therefore, it has been classified as a Variant of Uncertain Significance. Algorithms developed to predict the effect of missense changes on protein structure and function are either unavailable or do not agree on the potential impact of this missense change (SIFT: "Tolerated"; PolyPhen-2: "Possibly Damaging"; Align-GVGD: "Class C0"). ClinVar contains an entry for this variant (Variation ID: 820033). This variant has not been reported in the literature in individuals affected with RAD50-related conditions. This variant is not present in population databases (gnomAD no frequency). This sequence change replaces arginine, which is basic and polar, with lysine, which is basic and polar, at codon 591 of the RAD50 protein (p.Arg591Lys).